The following is an entry in ClinVar:

ClinVar aggregate classification (germline): Uncertain significance. Review status: criteria provided, multiple submitters, no conflicts (2 of 4 stars). 3 submissions from 3 submitters: Uncertain significance (3). Last evaluated 2026-06-16.

Conditions:
TTLL5-related disorder. Also called: TTLL5-related condition.

Allele frequency attached by ClinVar (database versions not stated): ExAC 0.00001; gnomAD 0.00001 and 0.00003; TOPMed 0.00001; gnomAD exomes 0.00002.
gnomAD v4.1: 19 of 1,613,404 alleles (0.0012%); highest among the groups gnomAD compares: South Asian, 0.011%; no homozygotes.

Submissions (3):

PreventionGenetics, part of Exact Sciences
Classification: Uncertain significance for TTLL5-related condition. Last evaluated: 2026-06-16. Review status: criteria provided, single submitter. Criteria: ACMG Guidelines, 2015. Collection method: clinical testing. Allele origin: germline.
Comment: The TTLL5 c.1451G>A variant is predicted to result in the amino acid substitution p.Arg484His. To our knowledge, this variant has not been reported in the literature. Alternate substitutions of this same amino acid residue (p.Arg484Cys; Arg484Leu) have been reported in individuals with retinal disease (Oh et al. 2022. PubMed ID: 35365235; Table S1, Ma et al. 2021. PubMed ID: 33691693). This variant is present in 0.0098% of alleles in individuals of South Asian descent in gnomAD. Although we suspect that this variant may be pathogenic, at this time, the clinical significance of this variant is uncertain due to the absence of conclusive functional and genetic evidence.

Blueprint Genetics
Classification: Uncertain significance. Last evaluated: 2022-09-05. Review status: criteria provided, single submitter. Criteria: ACMG Guidelines, 2015. Collection method: clinical testing. Allele origin: germline.

Labcorp Genetics (formerly Invitae), Labcorp
Classification: Uncertain significance. Last evaluated: 2022-06-20. Review status: criteria provided, single submitter. Criteria: Invitae Variant Classification Sherloc (09022015). Collection method: clinical testing. Allele origin: germline.
Comment: In summary, the available evidence is currently insufficient to determine the role of this variant in disease. Therefore, it has been classified as a Variant of Uncertain Significance. Algorithms developed to predict the effect of missense changes on protein structure and function are either unavailable or do not agree on the potential impact of this missense change (SIFT: "Deleterious"; PolyPhen-2: "Benign"; Align-GVGD: "Class C25"). This variant has not been reported in the literature in individuals affected with TTLL5-related conditions. This variant is present in population databases (rs746377581, gnomAD 0.01%). This sequence change replaces arginine, which is basic and polar, with histidine, which is basic and polar, at codon 484 of the TTLL5 protein (p.Arg484His).

NM_015072.5(TTLL5):c.1451G>A (p.Arg484His)

Gene: TTLL5 (tubulin tyrosine ligase like 5; plus strand). Cytogenetic location: 14q24.3.
Variant type: single nucleotide variant.
Coding change: c.1451G>A on transcript NM_015072.5 (MANE Select); coding-DNA position 1451, G replaced by A.
Protein change: p.Arg484His; replaces arginine 484 with histidine.
Molecular consequence: missense variant.
Genome position (GRCh38, 1-based): chr14:75,745,545, G>A. VCF-style: chr14-75745545-G-A. GRCh37 (hg19) VCF-style: chr14-76211888-G-A.
Other names: c.1451G>A (NM_015072.4); short protein forms R484H.
Identifiers: ClinVar variation 1464635 (VCV001464635.8), dbSNP rs746377581, ClinGen allele CA7279394.